The following is an entry in ClinVar:

ClinVar aggregate classification (germline): Uncertain significance (1 of 4 stars; one submission).

Submission:

Ambry Genetics
Classification: Uncertain significance. Last evaluated: 2023-04-24. Review status: criteria provided, single submitter. Criteria: Ambry Variant Classification Scheme 2023. Collection method: clinical testing. Allele origin: germline.
Comment: The p.A409D variant (also known as c.1226C>A), located in coding exon 4 of the PALLD gene, results from a C to A substitution at nucleotide position 1226. The alanine at codon 409 is replaced by aspartic acid, an amino acid with dissimilar properties. This amino acid position is conserved. In addition, this alteration is predicted to be deleterious by in silico analysis. Since supporting evidence is limited at this time, the clinical significance of this alteration remains unclear.

NM_001166108.2(PALLD):c.1226C>A (p.Ala409Asp)

Gene: PALLD (palladin, cytoskeletal associated protein; plus strand). Cytogenetic location: 4q32.3.
Variant type: single nucleotide variant.
Coding change: c.1226C>A on transcript NM_001166108.2 (MANE Select); coding-DNA position 1226, C replaced by A.
Protein change: p.Ala409Asp; replaces alanine 409 with aspartic acid.
Molecular consequence: missense variant.
Genome position (GRCh38, 1-based): chr4:168,683,069, C>A. VCF-style: chr4-168683069-C-A. GRCh37 (hg19) VCF-style: chr4-169604220-C-A.
Other names: c.80C>A, p.Ala27Asp (NM_001166109.2); c.1226C>A, p.Ala409Asp (NM_016081.4); short protein forms A27D, A409D.
Identifiers: ClinVar variation 2563401 (VCV002563401.2), dbSNP rs1561393954, ClinGen allele CA358794291.